The following is an entry in ClinVar:

NM_001127222.2(CACNA1A):c.1914-39G>A

Gene: CACNA1A (calcium voltage-gated channel subunit alpha1 A; minus strand). Cytogenetic location: 19p13.13.
Variant type: single nucleotide variant.
Coding change: c.1914-39G>A on transcript NM_001127222.2 (MANE Select); 39 bases into the intron before coding-DNA position 1914, G replaced by A.
Molecular consequence: intron variant.
Genome position (GRCh38, 1-based): chr19:13,307,893, C>T on the plus strand (G>A on the coding strand, the complement: CACNA1A is on the minus strand). VCF-style: chr19-13307893-C-T. GRCh37 (hg19) VCF-style: chr19-13418707-C-T.
Other names: NC_000019.9:g.13418707C>T; c.1917-39G>A (NM_001127221.2, NM_001174080.2, NM_000068.4 and 1 more transcripts).
Identifiers: ClinVar variation 680055 (VCV000680055.5), dbSNP rs16015, ClinGen allele CA9240688.

ClinVar aggregate classification (germline): Benign. Review status: criteria provided, multiple submitters, no conflicts (2 of 4 stars). 3 submissions from 3 submitters: Benign (3). Last evaluated 2024-07-31.

Allele frequency attached by ClinVar (database versions not stated): gnomAD 0.12483 and 0.12508; 1000 Genomes Project 30x 0.09931; gnomAD exomes 0.13939 and 0.15310; ExAC 0.14378; TOPMed 0.11572; ESP Exome Variant Server 0.12873; 1000 Genomes Project 0.09944.
gnomAD v4.1: 237,441 of 1,581,270 alleles (15%); highest among the groups gnomAD compares: Middle Eastern, 18%; 19,133 homozygotes.

Submissions (4):

Unidad de Genómica Garrahan, Hospital de Pediatría Garrahan
Classification: Benign. Last evaluated: 2024-07-31. Review status: criteria provided, single submitter. Criteria: ACMG Guidelines, 2015. Collection method: clinical testing. Allele origin: germline. Affected: no. Observed: 23 variant alleles.
Comment: This variant is classified as Benign based on local population frequency. This variant was detected in 25% of patients studied in a panel designed for Epileptic and Developmental Encephalopathy, Progressive Myoclonus Epilepsy and Abnormal Movements and Neurodegeneration with brain iron accumulation. Number of patients: 23. Only high quality variants are reported.

GeneDx
Classification: Benign. Last evaluated: 2018-06-19. Review status: criteria provided, single submitter. Criteria: GeneDx Variant Classification (06012015). Collection method: clinical testing. Allele origin: germline. Affected: yes.
Comment: This variant is considered likely benign or benign based on one or more of the following criteria: it is a conservative change, it occurs at a poorly conserved position in the protein, it is predicted to be benign by multiple in silico algorithms, and/or has population frequency not consistent with disease.

Breakthrough Genomics
Classification: Benign. Review status: criteria provided, single submitter. Criteria: ACMG Guidelines, 2015. Collection method: not provided. Allele origin: germline. Inheritance: Autosomal dominant inheritance. Affected: yes.

Dr. Peter K. Rogan Lab, Western University
No classification provided (evidence only). Condition: Malignant lymphoma, large B-cell, diffuse. Review status: no classification provided. Collection method: in vitro. Allele origin: not applicable. Functional consequence: retained intron. Not counted in ClinVar's aggregate classification.